The following is an entry in ClinVar:

ClinVar aggregate classification (germline): Likely benign (1 of 4 stars; one submission).

Allele frequency attached by ClinVar (database versions not stated): TOPMed 0.00005; gnomAD exomes 0.00015; gnomAD 0.00029; 1000 Genomes Project 0.00100; 1000 Genomes Project 30x 0.00141.
gnomAD v4.1: 55 of 233,182 alleles (0.024%); highest among the groups gnomAD compares: South Asian, 0.98%; 1 homozygote.

Submission:

CeGaT Center for Human Genetics Tuebingen
Classification: Likely benign. Last evaluated: 2023-07-01. Review status: criteria provided, single submitter. Criteria: CeGaT Center For Human Genetics Tuebingen Variant Classification Criteria Version 2. Collection method: clinical testing. Allele origin: germline. Affected: yes. Observed: 2 variant alleles.
Comment: CCND2: BS1

NM_001759.4(CCND2):c.*2539C>A

Gene: CCND2 (cyclin D2; plus strand). Cytogenetic location: 12p13.32.
Variant type: single nucleotide variant.
Coding change: c.*2539C>A on transcript NM_001759.4 (MANE Select); 2539 bases downstream of the stop codon, C replaced by A.
Molecular consequence: 3 prime UTR variant.
Genome position (GRCh38, 1-based): chr12:4,302,548, C>A. VCF-style: chr12-4302548-C-A. GRCh37 (hg19) VCF-style: chr12-4411714-C-A.
Identifiers: ClinVar variation 2642589 (VCV002642589.24), dbSNP rs570394607, ClinGen allele CA231749031.